The following is an entry in ClinVar:

ClinVar aggregate classification (germline): Uncertain significance (1 of 4 stars; one submission).

gnomAD v4.1: 1 of 1,286,776 alleles (0.000078%); highest among the groups gnomAD compares: Non-Finnish European, 0.0001%; no homozygotes.

Submission:

Labcorp Genetics (formerly Invitae), Labcorp
Classification: Uncertain significance. Last evaluated: 2022-02-15. Review status: criteria provided, single submitter. Criteria: Invitae Variant Classification Sherloc (09022015). Collection method: clinical testing. Allele origin: germline.
Comment: In summary, the available evidence is currently insufficient to determine the role of this variant in disease. Therefore, it has been classified as a Variant of Uncertain Significance. Algorithms developed to predict the effect of missense changes on protein structure and function (SIFT, PolyPhen-2, Align-GVGD) all suggest that this variant is likely to be tolerated. This variant has not been reported in the literature in individuals affected with USP7-related conditions. This variant is not present in population databases (gnomAD no frequency). This sequence change replaces glutamine, which is neutral and polar, with glutamic acid, which is acidic and polar, at codon 10 of the USP7 protein (p.Gln10Glu).

NM_003470.3(USP7):c.28C>G (p.Gln10Glu)

Genes: USP7 (ubiquitin specific peptidase 7; minus strand), USP7-AS1 (USP7 antisense RNA 1; plus strand). Cytogenetic location: 16p13.2.
Variant type: single nucleotide variant.
Coding change: c.28C>G on transcript NM_003470.3 (MANE Select); coding-DNA position 28, C replaced by G.
Protein change: p.Gln10Glu; replaces glutamine 10 with glutamic acid.
Molecular consequence: missense variant.
Genome position (GRCh38, 1-based): chr16:8,963,258, G>C on the plus strand (C>G on the coding strand, the complement: USP7 is on the minus strand). VCF-style: chr16-8963258-G-C. GRCh37 (hg19) VCF-style: chr16-9057115-G-C.
Other names: short protein forms Q10E.
Identifiers: ClinVar variation 2097741 (VCV002097741.4), dbSNP rs2549283519, ClinGen allele CA394693276.